The following is an entry in ClinVar:

NM_006648.4(WNK2):c.5674G>A (p.Asp1892Asn)

Gene: WNK2 (WNK lysine deficient protein kinase 2; plus strand). Cytogenetic location: 9q22.31.
Variant type: single nucleotide variant.
Coding change: c.5674G>A on transcript NM_006648.4 (MANE Select); coding-DNA position 5674, G replaced by A.
Protein change: p.Asp1892Asn; replaces aspartic acid 1892 with asparagine.
Molecular consequence: missense variant.
Genome position (GRCh38, 1-based): chr9:93,293,139, G>A. VCF-style: chr9-93293139-G-A. GRCh37 (hg19) VCF-style: chr9-96055421-G-A.
Other names: c.5785G>A, p.Asp1929Asn (NM_001282394.3); short protein forms D1892N, D1929N.
Identifiers: ClinVar variation 4842137 (VCV004842137.1).

ClinVar aggregate classification (germline): Uncertain significance (1 of 4 stars; one submission).

Submission:

Ambry Genetics
Classification: Uncertain significance. Last evaluated: 2026-01-12. Review status: criteria provided, single submitter. Criteria: Ambry Variant Classification Scheme 2023. Collection method: clinical testing. Allele origin: germline.
Comment: The p.D1892N variant (also known as c.5674G>A), located in coding exon 22 of the WNK2 gene, results from a G to A substitution at nucleotide position 5674. The aspartic acid at codon 1892 is replaced by asparagine, an amino acid with highly similar properties. This amino acid position is conserved. In addition, the in silico prediction for this alteration is inconclusive. Based on the available evidence, the clinical significance of this variant remains unclear.